The following is an entry in ClinVar:

ClinVar aggregate classification (germline): Likely benign (1 of 4 stars; one submission).

Allele frequency attached by ClinVar (database versions not stated): gnomAD exomes 0.00005; ExAC 0.00006; ESP Exome Variant Server 0.00008.
gnomAD v4.1: 79 of 1,614,002 alleles (0.0049%); highest among the groups gnomAD compares: Middle Eastern, 0.033%; no homozygotes.

Submission:

CeGaT Center for Human Genetics Tuebingen
Classification: Likely benign. Last evaluated: 2022-07-01. Review status: criteria provided, single submitter. Criteria: CeGaT Center For Human Genetics Tuebingen Variant Classification Criteria Version 2. Collection method: clinical testing. Allele origin: germline. Affected: yes. Observed: 1 variant allele.
Comment: KDM5B: BP4, BP7

NM_006618.5(KDM5B):c.4362G>A (p.Glu1454=)

Gene: KDM5B (lysine demethylase 5B; minus strand). Cytogenetic location: 1q32.1.
Variant type: single nucleotide variant.
Coding change: c.4362G>A on transcript NM_006618.5 (MANE Select); coding-DNA position 4362, G replaced by A.
Protein change: p.Glu1454=; no amino-acid change (glutamic acid 1454 retained).
Molecular consequence: synonymous variant.
Genome position (GRCh38, 1-based): chr1:202,729,842, C>T on the plus strand (G>A on the coding strand, the complement: KDM5B is on the minus strand). VCF-style: chr1-202729842-C-T. GRCh37 (hg19) VCF-style: chr1-202698970-C-T.
Other names: c.4470G>A, p.Glu1490= (NM_001314042.2); c.4227G>A, p.Glu1409= (NM_001347591.2); c.4347G>A, p.Glu1449= (NM_001399817.1).
Identifiers: ClinVar variation 2639791 (VCV002639791.24), dbSNP rs374839807, ClinGen allele CA1333973.